The following is an entry in ClinVar:

NM_004655.4(AXIN2):c.282G>T (p.Leu94=)

Gene: AXIN2 (axin 2; minus strand). Cytogenetic location: 17q24.1.
Variant type: single nucleotide variant.
Coding change: c.282G>T on transcript NM_004655.4 (MANE Select); coding-DNA position 282, G replaced by T.
Protein change: p.Leu94=; no amino-acid change (leucine 94 retained).
Molecular consequence: synonymous variant.
Genome position (GRCh38, 1-based): chr17:65,558,339, C>A on the plus strand (G>T on the coding strand, the complement: AXIN2 is on the minus strand). VCF-style: chr17-65558339-C-A. GRCh37 (hg19) VCF-style: chr17-63554457-C-A.
Other names: c.282G>T, p.Leu94= (NM_001363813.1).
Identifiers: ClinVar variation 3067696 (VCV003067696.21), dbSNP rs1169205374, ClinGen allele CA501691955.

ClinVar aggregate classification (germline): Likely benign (1 of 4 stars; one submission).

Submission:

CeGaT Center for Human Genetics Tuebingen
Classification: Likely benign. Last evaluated: 2024-03-01. Review status: criteria provided, single submitter. Criteria: CeGaT Center For Human Genetics Tuebingen Variant Classification Criteria Version 2. Collection method: clinical testing. Allele origin: germline. Affected: yes. Observed: 1 variant allele.
Comment: AXIN2: PM2:Supporting, BP4, BP7